The following is an entry in ClinVar:

ClinVar aggregate classification (germline): Likely pathogenic (1 of 4 stars; one submission).

Conditions:
Charcot-Marie-Tooth disease type 4C (CMT4C). Also called: SH3TC2-Related Hereditary Motor and Sensory Neuropathy; CHARCOT-MARIE-TOOTH DISEASE, DEMYELINATING, TYPE 4C; CMT 4C; CHARCOT-MARIE-TOOTH DISEASE, DEMYELINATING, AUTOSOMAL RECESSIVE, TYPE 4C; Charcot-Marie-Tooth Neuropathy Type 4C (CMT4C). Identifiers: Orphanet 99949, MedGen C1866636, MONDO:0011113, OMIM 601596.

Submission:

Pangenia Genomics, Pangenia Inc.
Classification: Likely pathogenic for Charcot-Marie-Tooth disease type 4C. Last evaluated: 2022-10-19. Review status: criteria provided, single submitter. Criteria: ACMG Guidelines, 2015. Collection method: research. Allele origin: maternal. Inheritance: Autosomal recessive inheritance. Affected: yes. Observed: 1 compound heterozygote.
Comment: The SH3TC2, c.2838_2850dup (p.Leu951IlefsTer32) variant creates a frameshift variant, which is expected to cause a loss of normal protein function via nonsense-mediated mRNA decay. Loss-of-function of gene SH3TC2 is a known mechanism of Charcot-Marie-Tooth disease, type 4C. This variant is absent from the gnomAD v2.1.1 dataset with good coverage of the locus. This variant is detected in trans with a variant of uncertain significance (VUS) [SH3TC2, c.3733_3734del (p.Gly1245Ter)]. Hence, this variant was classified as a likely-pathogenic variant.

NM_024577.4(SH3TC2):c.2838_2850dup (p.Leu951fs)

Gene: SH3TC2 (SH3 domain and tetratricopeptide repeats 2; minus strand). Cytogenetic location: 5q32.
Variant type: Duplication.
Coding change: c.2838_2850dup on transcript NM_024577.4 (MANE Select); coding-DNA positions 2838 to 2850, 13 bases duplicated (ATTGCTGTTTGGC).
Protein change: p.Leu951fs; shifts the reading frame from leucine 951.
Molecular consequence: frameshift variant.
Genome position (GRCh38, 1-based): chr5:149,026,882-149,026,894, GCCAAACAGCAAT duplicated on the plus strand (ATTGCTGTTTGGC on the coding strand, the reverse complement: SH3TC2 is on the minus strand); duplicating any 13 consecutive bases within chr5:149,026,882-149,026,898 gives the same sequence; the c. name uses the placement nearest the transcript's 3' end. VCF-style (leftmost placement, unchanged base first): chr5-149026881-A-AGCCAAACAGCAAT. GRCh37 (hg19) VCF-style: chr5-148406444-A-AGCCAAACAGCAAT.
Other names: short protein forms L951fs.
Identifiers: ClinVar variation 2412813 (VCV002412813.6), dbSNP rs2127396985, ClinGen allele CA2573052450.